The following is an entry in ClinVar:

ClinVar aggregate classification (germline): Likely benign (0 of 4 stars; one submission).

Conditions:
ACTN3-related disorder. Also called: ACTN3-related condition.

Allele frequency attached by ClinVar (database versions not stated): gnomAD 0.00005; ESP Exome Variant Server 0.00008.
gnomAD v4.1: 155 of 1,553,094 alleles (0.01%); highest among the groups gnomAD compares: Non-Finnish European, 0.013%; no homozygotes.

Submission:

PreventionGenetics, part of Exact Sciences
Classification: Likely benign for ACTN3-related condition. Last evaluated: 2019-07-18. Review status: no assertion criteria provided. Collection method: clinical testing. Allele origin: germline.
Comment: This variant is classified as likely benign based on ACMG/AMP sequence variant interpretation guidelines (Richards et al. 2015 PMID: 25741868, with internal and published modifications).

NM_001104.4(ACTN3):c.1407C>T (p.Ala469=)

Gene: ACTN3 (actinin alpha 3; plus strand). Cytogenetic location: 11q13.2.
Variant type: single nucleotide variant.
Coding change: c.1407C>T on transcript NM_001104.4 (MANE Select); coding-DNA position 1407, C replaced by T.
Protein change: p.Ala469=; no amino-acid change (alanine 469 retained).
Molecular consequence: synonymous variant.
Genome position (GRCh38, 1-based): chr11:66,559,366, C>T. VCF-style: chr11-66559366-C-T. GRCh37 (hg19) VCF-style: chr11-66326837-C-T.
Other names: c.1536C>T, p.Ala512= (NM_001258371.3).
Identifiers: ClinVar variation 3049744 (VCV003049744.2), dbSNP rs376311597, ClinGen allele CA6124691.
Genomic context (GRCh38, chr11:66,559,366, plus strand): 5'-GCGCCACGAGGCCTTTGAGAGCGACCTGGCGGCGCACCAGGACCGCGTGGAGCACATTGC[C>T]GCGCTGGCCCAGGAGCTCAAGTAGGCGGGGCCTCGCGGGGCCCGCCCCCAACACCCCCGG-3'
Protein context (NP_001095.2, residues 459-479): AAHQDRVEHI[Ala469=]ALAQELNELD